The following is an entry in ClinVar:

NM_004360.5(CDH1):c.2365C>G (p.Pro789Ala)

Gene: CDH1 (cadherin 1; plus strand). Cytogenetic location: 16q22.1.
Variant type: single nucleotide variant.
Coding change: c.2365C>G on transcript NM_004360.5 (MANE Select); coding-DNA position 2365, C replaced by G.
Protein change: p.Pro789Ala; replaces proline 789 with alanine.
Molecular consequence: missense variant.
Genome position (GRCh38, 1-based): chr16:68,829,723, C>G. VCF-style: chr16-68829723-C-G. GRCh37 (hg19) VCF-style: chr16-68863626-C-G.
Other names: c.2182C>G, p.Pro728Ala (NM_001317184.2); c.817C>G, p.Pro273Ala (NM_001317185.2); c.400C>G, p.Pro134Ala (NM_001317186.2); short protein forms P273A, P789A, P728A, P134A.
Identifiers: ClinVar variation 1482517 (VCV001482517.8), dbSNP rs1961429193, ClinGen allele CA396471071.

ClinVar aggregate classification (germline): Uncertain significance (1 of 4 stars; one submission).

Conditions:
Hereditary diffuse gastric adenocarcinoma (HDGC). Also called: DIFFUSE GASTRIC AND LOBULAR BREAST CANCER SYNDROME. Identifiers: Orphanet 26106, MedGen C1708349, MONDO:0007648, OMIM 137215.

Submission:

Labcorp Genetics (formerly Invitae), Labcorp
Classification: Uncertain significance for Hereditary diffuse gastric adenocarcinoma. Last evaluated: 2021-06-09. Review status: criteria provided, single submitter. Criteria: Invitae Variant Classification Sherloc (09022015). Collection method: clinical testing. Allele origin: germline.
Comment: In summary, the available evidence is currently insufficient to determine the role of this variant in disease. Therefore, it has been classified as a Variant of Uncertain Significance. Algorithms developed to predict the effect of sequence changes on RNA splicing suggest that this variant may create or strengthen a splice site, but this prediction has not been confirmed by published transcriptional studies. Algorithms developed to predict the effect of missense changes on protein structure and function are either unavailable or do not agree on the potential impact of this missense change (SIFT: "Deleterious"; PolyPhen-2: "Probably Damaging"; Align-GVGD: "Class C0"). This variant has not been reported in the literature in individuals with CDH1-related conditions. This variant is not present in population databases (ExAC no frequency). This sequence change replaces proline with alanine at codon 789 of the CDH1 protein (p.Pro789Ala). The proline residue is highly conserved and there is a small physicochemical difference between proline and alanine.